The following is an entry in ClinVar:

NM_004360.5(CDH1):c.1711+10C>T

Gene: CDH1 (cadherin 1; plus strand). Cytogenetic location: 16q22.1.
Variant type: single nucleotide variant.
Coding change: c.1711+10C>T on transcript NM_004360.5 (MANE Select); 10 bases into the intron after coding-DNA position 1711, C replaced by T.
Molecular consequence: intron variant.
Genome position (GRCh38, 1-based): chr16:68,819,435, C>T. VCF-style: chr16-68819435-C-T. GRCh37 (hg19) VCF-style: chr16-68853338-C-T.
Other names: c.163+10C>T (NM_001317185.2); c.-254-2566C>T (NM_001317186.2); c.1528+10C>T (NM_001317184.2).
Identifiers: ClinVar variation 2127901 (VCV002127901.5), dbSNP rs1264027031, ClinGen allele CA2580092020.

ClinVar aggregate classification (germline): Likely benign. Review status: criteria provided, multiple submitters, no conflicts (2 of 4 stars). 2 submissions from 2 submitters: Likely benign (2). Last evaluated 2024-09-19.

Conditions:
Hereditary diffuse gastric adenocarcinoma (HDGC). Also called: DIFFUSE GASTRIC AND LOBULAR BREAST CANCER SYNDROME. Identifiers: Orphanet 26106, MedGen C1708349, MONDO:0007648, OMIM 137215.

Allele frequency attached by ClinVar (database versions not stated): gnomAD exomes below 0.00001.
gnomAD v4.1: 1 of 1,612,770 alleles (0.000062%); highest among the groups gnomAD compares: Non-Finnish European, 0.000085%; no homozygotes.

Submissions (2):

Myriad Genetics, Inc.
Classification: Likely benign for Hereditary diffuse gastric adenocarcinoma. Last evaluated: 2024-09-19. Review status: criteria provided, single submitter. Criteria: Myriad Autosomal Dominant, Autosomal Recessive and X-Linked Classification Criteria (2023). Collection method: clinical testing. Allele origin: unknown.
Comment: This variant is considered likely benign. This variant is intronic and is not expected to impact mRNA splicing.

Labcorp Genetics (formerly Invitae), Labcorp
Classification: Likely benign for Hereditary diffuse gastric adenocarcinoma. Last evaluated: 2023-08-20. Review status: criteria provided, single submitter. Criteria: Invitae Variant Classification Sherloc (09022015). Collection method: clinical testing. Allele origin: germline.